The following is an entry in ClinVar:

NM_000430.4(PAFAH1B1):c.355G>A (p.Val119Met)

Gene: PAFAH1B1 (platelet activating factor acetylhydrolase 1b regulatory subunit 1; plus strand). Cytogenetic location: 17p13.3.
Variant type: single nucleotide variant.
Coding change: c.355G>A on transcript NM_000430.4 (MANE Select); coding-DNA position 355, G replaced by A.
Protein change: p.Val119Met; replaces valine 119 with methionine.
Molecular consequence: missense variant.
Genome position (GRCh38, 1-based): chr17:2,667,154, G>A. VCF-style: chr17-2667154-G-A. GRCh37 (hg19) VCF-style: chr17-2570448-G-A.
Other names: short protein forms V119M.
Identifiers: ClinVar variation 2803994 (VCV002803994.3), dbSNP rs2544090357, ClinGen allele CA397639062.

ClinVar aggregate classification (germline): Uncertain significance (1 of 4 stars; one submission).

Allele frequency attached by ClinVar (database versions not stated): gnomAD exomes below 0.00001.
gnomAD v4.1: 2 of 1,613,874 alleles (0.00012%); highest among the groups gnomAD compares: Non-Finnish European, 0.00017%; no homozygotes.

Submission:

Labcorp Genetics (formerly Invitae), Labcorp
Classification: Uncertain significance. Last evaluated: 2023-03-17. Review status: criteria provided, single submitter. Criteria: Invitae Variant Classification Sherloc (09022015). Collection method: clinical testing. Allele origin: germline.
Comment: An algorithm developed to predict the effect of missense changes on protein structure and function (PolyPhen-2) suggests that this variant is likely to be tolerated. This variant has not been reported in the literature in individuals affected with PAFAH1B1-related conditions. This variant is not present in population databases (gnomAD no frequency). This sequence change replaces valine, which is neutral and non-polar, with methionine, which is neutral and non-polar, at codon 119 of the PAFAH1B1 protein (p.Val119Met). In summary, the available evidence is currently insufficient to determine the role of this variant in disease. Therefore, it has been classified as a Variant of Uncertain Significance.